The following is an entry in ClinVar:

ClinVar aggregate classification (germline): Benign/Likely benign. Review status: criteria provided, multiple submitters, no conflicts (2 of 4 stars). 6 submissions from 6 submitters: Benign (1); Likely benign (3). 2 of the submissions do not count toward it. Last evaluated 2026-02-03.

Conditions:
POLD1-related disorder. Also called: POLD1-related disorders; POLD1-related condition.
POLD1-related polyposis and colorectal cancer syndrome (CRCS10). Also called: Colorectal cancer, susceptibility to, 10; Colorectal cancer 10; COLORECTAL CANCER, SUSCEPTIBILITY TO, ON CHROMOSOME 19q. Identifiers: Orphanet 220460, MedGen C2675481, MONDO:0012953, OMIM 612591.

Allele frequency attached by ClinVar (database versions not stated): gnomAD 0.00061 and 0.00056; TOPMed 0.00074; ESP Exome Variant Server 0.00077; gnomAD exomes 0.00006 and 0.00019; 1000 Genomes Project 30x 0.00031; 1000 Genomes Project 0.00040; ExAC 0.00023.
gnomAD v4.1: 181 of 1,544,656 alleles (0.012%); highest among the groups gnomAD compares: African/African-American, 0.16%; no homozygotes.

Submissions (6):

Labcorp Genetics (formerly Invitae), Labcorp
Classification: Benign for POLD1-related polyposis and colorectal cancer syndrome. Last evaluated: 2026-02-03. Review status: criteria provided, single submitter. Criteria: Invitae Variant Classification Sherloc (09022015). Collection method: clinical testing. Allele origin: germline.

Blueprint Genetics
Classification: Likely benign. Last evaluated: 2024-07-06. Review status: criteria provided, single submitter. Criteria: ACMG Guidelines, 2015. Collection method: clinical testing. Allele origin: germline.

KCCC/NGS Laboratory, Kuwait Cancer Control Center
Classification: Likely benign for POLD1-related polyposis and colorectal cancer syndrome. Last evaluated: 2023-07-07. Review status: criteria provided, single submitter. Criteria: ACMG Guidelines, 2015. Collection method: clinical testing. Allele origin: germline. Affected: yes.

GeneDx
Classification: Likely benign. Last evaluated: 2017-08-28. Review status: criteria provided, single submitter. Criteria: GeneDx Variant Classification (06012015). Collection method: clinical testing. Allele origin: germline. Affected: yes.
Comment: This variant is considered likely benign or benign based on one or more of the following criteria: it is a conservative change, it occurs at a poorly conserved position in the protein, it is predicted to be benign by multiple in silico algorithms, and/or has population frequency not consistent with disease.

PreventionGenetics, part of Exact Sciences
Classification: Likely benign for POLD1-related condition. Last evaluated: 2021-11-08. Review status: no assertion criteria provided. Collection method: clinical testing. Allele origin: germline. Not counted in ClinVar's aggregate classification.
Comment: This variant is classified as likely benign based on ACMG/AMP sequence variant interpretation guidelines (Richards et al. 2015 PMID: 25741868, with internal and published modifications).

Counsyl
Classification: Likely benign for POLD1-related polyposis and colorectal cancer syndrome. Last evaluated: 2016-08-01. Review status: no assertion criteria provided. Collection method: clinical testing. Allele origin: unknown. Not counted in ClinVar's aggregate classification.

NM_002691.4(POLD1):c.3218+17G>A

Gene: POLD1 (DNA polymerase delta 1, catalytic subunit; plus strand). Cytogenetic location: 19q13.33.
Variant type: single nucleotide variant.
Coding change: c.3218+17G>A on transcript NM_002691.4 (MANE Select); 17 bases into the intron after coding-DNA position 3218, G replaced by A.
Molecular consequence: intron variant.
Genome position (GRCh38, 1-based): chr19:50,417,286, G>A. VCF-style: chr19-50417286-G-A. GRCh37 (hg19) VCF-style: chr19-50920543-G-A.
Other names: c.3296+17G>A (NM_001308632.1, LRG_785t2); c.3218+17G>A (LRG_785t1, NM_001256849.1).
Identifiers: ClinVar variation 371904 (VCV000371904.15), dbSNP rs375490101, ClinGen allele CA9596797.